The following is an entry in ClinVar:

NM_206933.4(USH2A):c.4636G>C (p.Ala1546Pro)

Gene: USH2A (usherin; minus strand). Cytogenetic location: 1q41.
Variant type: single nucleotide variant.
Coding change: c.4636G>C on transcript NM_206933.4 (MANE Select); coding-DNA position 4636, G replaced by C.
Protein change: p.Ala1546Pro; replaces alanine 1546 with proline.
Molecular consequence: missense variant.
Genome position (GRCh38, 1-based): chr1:216,097,205, C>G on the plus strand (G>C on the coding strand, the complement: USH2A is on the minus strand). VCF-style: chr1-216097205-C-G. GRCh37 (hg19) VCF-style: chr1-216270547-C-G.
Other names: short protein forms A1546P.
Identifiers: ClinVar variation 1462779 (VCV001462779.8), dbSNP rs958361741, ClinGen allele CA344861444.

ClinVar aggregate classification (germline): Uncertain significance (1 of 4 stars; one submission).

Submission:

Labcorp Genetics (formerly Invitae), Labcorp
Classification: Uncertain significance. Last evaluated: 2020-12-13. Review status: criteria provided, single submitter. Criteria: Invitae Variant Classification Sherloc (09022015). Collection method: clinical testing. Allele origin: germline.
Comment: This sequence change replaces alanine with proline at codon 1546 of the USH2A protein (p.Ala1546Pro). The alanine residue is highly conserved and there is a small physicochemical difference between alanine and proline. In summary, the available evidence is currently insufficient to determine the role of this variant in disease. Therefore, it has been classified as a Variant of Uncertain Significance. Algorithms developed to predict the effect of missense changes on protein structure and function are either unavailable or do not agree on the potential impact of this missense change (SIFT: "Deleterious"; PolyPhen-2: "Possibly Damaging"; Align-GVGD: "Class C0"). This variant has not been reported in the literature in individuals with USH2A-related conditions. This variant is not present in population databases (ExAC no frequency).